The following is an entry in ClinVar:

ClinVar aggregate classification (germline): Uncertain significance. Review status: criteria provided, multiple submitters, no conflicts (2 of 4 stars). 3 submissions from 3 submitters: Uncertain significance (3). Last evaluated 2025-08-19.

Conditions:
Inborn genetic diseases. Identifiers: MedGen C0950123, MeSH D030342.

Allele frequency attached by ClinVar (database versions not stated): gnomAD 0.00002; ExAC 0.00004; gnomAD exomes 0.00004; TOPMed 0.00005; ESP Exome Variant Server 0.00008.
gnomAD v4.1: 53 of 1,613,050 alleles (0.0033%); highest among the groups gnomAD compares: Admixed American, 0.0084%; no homozygotes.

Submissions (3):

Ambry Genetics
Classification: Uncertain significance for Inborn genetic diseases. Last evaluated: 2025-08-19. Review status: criteria provided, single submitter. Criteria: Ambry Variant Classification Scheme 2023. Collection method: clinical testing. Allele origin: germline.

Labcorp Genetics (formerly Invitae), Labcorp
Classification: Uncertain significance. Last evaluated: 2025-07-09. Review status: criteria provided, single submitter. Criteria: Invitae Variant Classification Sherloc (09022015). Collection method: clinical testing. Allele origin: germline.
Comment: This sequence change replaces aspartic acid, which is acidic and polar, with valine, which is neutral and non-polar, at codon 302 of the PLAA protein (p.Asp302Val). This variant is present in population databases (rs200253839, gnomAD 0.006%). This variant has not been reported in the literature in individuals affected with PLAA-related conditions. ClinVar contains an entry for this variant (Variation ID: 1425249). Invitae Evidence Modeling of protein sequence and biophysical properties (such as structural, functional, and spatial information, amino acid conservation, physicochemical variation, residue mobility, and thermodynamic stability) indicates that this missense variant is not expected to disrupt PLAA protein function with a negative predictive value of 80%. In summary, the available evidence is currently insufficient to determine the role of this variant in disease. Therefore, it has been classified as a Variant of Uncertain Significance.

Blueprint Genetics
Classification: Uncertain significance. Last evaluated: 2024-10-28. Review status: criteria provided, single submitter. Criteria: ACMG Guidelines, 2015. Collection method: clinical testing. Allele origin: germline.

NM_001031689.3(PLAA):c.905A>T (p.Asp302Val)

Gene: PLAA (phospholipase A2 activating protein; minus strand). Cytogenetic location: 9p21.2.
Variant type: single nucleotide variant.
Coding change: c.905A>T on transcript NM_001031689.3 (MANE Select); coding-DNA position 905, A replaced by T.
Protein change: p.Asp302Val; replaces aspartic acid 302 with valine.
Molecular consequence: missense variant.
Genome position (GRCh38, 1-based): chr9:26,923,312, T>A on the plus strand (A>T on the coding strand, the complement: PLAA is on the minus strand). VCF-style: chr9-26923312-T-A. GRCh37 (hg19) VCF-style: chr9-26923310-T-A.
Other names: c.905A>T, p.Asp302Val (NM_001321546.2); c.905A>T (NM_001031689.2); short protein forms D302V.
Identifiers: ClinVar variation 1425249 (VCV001425249.6), dbSNP rs200253839, ClinGen allele CA5014514.
Genomic context (GRCh38, chr9:26,923,312, plus strand): 5'-ATGGTTGCGTGAGACAGTTCTTTTTCAAAAGCCTTGATTTCTTCAGCACTTGCTGTTCGA[T>A]CTTCTGATTCTGTAAACACTCTAATAATGCCATCACTGTAAGGAAAAATAAACTGATTTT-3'
Protein context (NP_001026859.1, residues 292-312): GIIRVFTESE[Asp302Val]RTASAEEIKA